The following is an entry in ClinVar:

ClinVar aggregate classification (germline): Uncertain significance. Review status: criteria provided, multiple submitters, no conflicts (2 of 4 stars). 4 submissions from 4 submitters: Uncertain significance (4). Last evaluated 2023-04-11.

Conditions:
Developmental and epileptic encephalopathy, 18 (DEE18). Also called: Early infantile epileptic encephalopathy 18. Identifiers: Orphanet 369894, MedGen C3809624, MONDO:0014201, OMIM 615476.

Allele frequency attached by ClinVar (database versions not stated): ExAC 0.00001; gnomAD exomes 0.00002; TOPMed 0.00003; gnomAD 0.00005 and 0.00006.
gnomAD v4.1: 30 of 1,614,068 alleles (0.0019%); highest among the groups gnomAD compares: African/African-American, 0.0053%; no homozygotes.

Submissions (4):

Genome-Nilou Lab
Classification: Uncertain significance for Developmental and epileptic encephalopathy, 18. Last evaluated: 2023-04-11. Review status: criteria provided, single submitter. Criteria: ACMG Guidelines, 2015. Collection method: clinical testing. Allele origin: germline. Affected: no.

Blueprint Genetics
Classification: Uncertain significance. Last evaluated: 2022-11-14. Review status: criteria provided, single submitter. Criteria: ACMG Guidelines, 2015. Collection method: clinical testing. Allele origin: germline.

Labcorp Genetics (formerly Invitae), Labcorp
Classification: Uncertain significance. Last evaluated: 2022-06-20. Review status: criteria provided, single submitter. Criteria: Invitae Variant Classification Sherloc (09022015). Collection method: clinical testing. Allele origin: germline.
Comment: This sequence change replaces glutamic acid, which is acidic and polar, with lysine, which is basic and polar, at codon 1340 of the SZT2 protein (p.Glu1340Lys). This variant is present in population databases (rs781566610, gnomAD 0.01%). This variant has not been reported in the literature in individuals affected with SZT2-related conditions. Algorithms developed to predict the effect of missense changes on protein structure and function (SIFT, PolyPhen-2, Align-GVGD) all suggest that this variant is likely to be disruptive. In summary, the available evidence is currently insufficient to determine the role of this variant in disease. Therefore, it has been classified as a Variant of Uncertain Significance.

GeneDx
Classification: Uncertain significance. Last evaluated: 2022-06-06. Review status: criteria provided, single submitter. Criteria: GeneDx Variant Classification Process June 2021. Collection method: clinical testing. Allele origin: germline. Affected: yes.
Comment: Not observed at significant frequency in large population cohorts (gnomAD); In silico analysis supports that this missense variant does not alter protein structure/function; Has not been previously published as pathogenic or benign to our knowledge

NM_001365999.1(SZT2):c.4189G>A (p.Glu1397Lys)

Gene: SZT2 (SZT2 subunit of KICSTOR complex; plus strand). Cytogenetic location: 1p34.2.
Variant type: single nucleotide variant.
Coding change: c.4189G>A on transcript NM_001365999.1 (MANE Select); coding-DNA position 4189, G replaced by A.
Protein change: p.Glu1397Lys; replaces glutamic acid 1397 with lysine.
Molecular consequence: missense variant.
Genome position (GRCh38, 1-based): chr1:43,429,725, G>A. VCF-style: chr1-43429725-G-A. GRCh37 (hg19) VCF-style: chr1-43895396-G-A.
Other names: c.4018G>A, p.Glu1340Lys (NM_015284.4); short protein forms E1340K, E1397K.
Identifiers: ClinVar variation 1484930 (VCV001484930.8), dbSNP rs781566610, ClinGen allele CA809215.